The following is an entry in ClinVar:

NM_000051.4(ATM):c.3352A>G (p.Thr1118Ala)

Gene: ATM (ATM serine/threonine kinase; plus strand). Cytogenetic location: 11q22.3.
Variant type: single nucleotide variant.
Coding change: c.3352A>G on transcript NM_000051.4 (MANE Select); coding-DNA position 3352, A replaced by G.
Protein change: p.Thr1118Ala; replaces threonine 1118 with alanine.
Molecular consequence: missense variant.
Genome position (GRCh38, 1-based): chr11:108,279,558, A>G. VCF-style: chr11-108279558-A-G. GRCh37 (hg19) VCF-style: chr11-108150285-A-G.
Other names: p.T1118A:ACA>GCA; c.3352A>G, p.Thr1118Ala (NM_001351834.2); short protein forms T1118A.
Identifiers: ClinVar variation 181948 (VCV000181948.33), dbSNP rs572564322, ClinGen allele CA298222.

ClinVar aggregate classification (germline): Conflicting classifications of pathogenicity. Review status: criteria provided, conflicting classifications (1 of 4 stars). 12 submissions from 12 submitters: Uncertain significance (3); Likely benign (7). 2 of the submissions do not count toward it. Last evaluated 2026-02-02.

Conditions:
Familial colorectal cancer type X. Identifiers: Orphanet 440437, MedGen C3896578, MONDO:0018604.
Hereditary cancer-predisposing syndrome. Also called: Tumor predisposition; Hereditary Cancer Syndrome; Hereditary neoplastic syndrome; Neoplastic Syndromes, Hereditary. Identifiers: Orphanet 140162, MedGen C0027672, MeSH D009386, MONDO:0015356.
Familial cancer of breast. Also called: hereditary breast carcinoma; Hereditary breast cancer; BREAST CANCER, FAMILIAL. Identifiers: Orphanet 227535, MedGen C0346153, MONDO:0016419, OMIM 114480. Disease mechanism: loss of function.
Ataxia-telangiectasia syndrome (AT). Also called: ATAXIA-TELANGIECTASIA, COMPLEMENTATION GROUP A; ATAXIA-TELANGIECTASIA, FRESNO VARIANT; Ataxia-telangiectasia; LOUIS-BAR SYNDROME; Ataxia telangiectasia (A-T); Ataxia-telangiectasia, complementation group D. Identifiers: Orphanet 100, MedGen C0004135, MONDO:0008840, OMIM 208900.

Allele frequency attached by ClinVar (database versions not stated): gnomAD below 0.00001 and 0.00004; TOPMed below 0.00001; gnomAD exomes 0.00009 and 0.00020; 1000 Genomes Project 0.00020; ExAC 0.00022; 1000 Genomes Project 30x 0.00031.
gnomAD v4.1: 130 of 1,613,876 alleles (0.0081%); highest among the groups gnomAD compares: South Asian, 0.14%; 2 homozygotes.

Submissions (12):

Labcorp Genetics (formerly Invitae), Labcorp
Classification: Likely benign for Ataxia-telangiectasia syndrome. Last evaluated: 2026-02-02. Review status: criteria provided, single submitter. Criteria: Invitae Variant Classification Sherloc (09022015). Collection method: clinical testing. Allele origin: germline.

Center for Genomic Medicine, Rigshospitalet, Copenhagen University Hospital
Classification: Likely benign. Last evaluated: 2025-03-04. Review status: criteria provided, single submitter. Criteria: ACMG Guidelines, 2015. Collection method: clinical testing. Allele origin: germline.

Color Diagnostics, LLC DBA Color Health
Classification: Likely benign for Hereditary cancer-predisposing syndrome. Last evaluated: 2024-09-19. Review status: criteria provided, single submitter. Criteria: ACMG Guidelines, 2015. Collection method: clinical testing. Allele origin: germline.

Myriad Genetics, Inc.
Classification: Likely benign for Familial cancer of breast. Last evaluated: 2024-05-14. Review status: criteria provided, single submitter. Criteria: Myriad Autosomal Dominant, Autosomal Recessive and X-Linked Classification Criteria (2023). Collection method: clinical testing. Allele origin: unknown.
Comment: This variant is considered likely benign. This variant is strongly associated with less severe personal and family histories of cancer, typical for individuals without pathogenic variants in this gene [PMID: 25085752].

GeneDx
Classification: Uncertain significance. Last evaluated: 2023-10-05. Review status: criteria provided, single submitter. Criteria: GeneDx Variant Classification Process June 2021. Collection method: clinical testing. Allele origin: germline. Affected: yes.
Comment: In silico analysis supports that this missense variant does not alter protein structure/function; Observed in individuals with breast or ovarian cancer, but also observed in non-cancer controls in a case-control study of individuals with multiple primary cancers (PMID: 28779002, 33552952, 29641532); This variant is associated with the following publications: (PMID: 19781682, 33552952, 28779002, 29641532)

Women's Health and Genetics/Laboratory Corporation of America, LabCorp
Classification: Likely benign. Last evaluated: 2023-03-14. Review status: criteria provided, single submitter. Criteria: LabCorp Variant Classification Summary - May 2015. Collection method: clinical testing. Allele origin: germline.
Comment: Variant summary: ATM c.3352A>G (p.Thr1118Ala) results in a non-conservative amino acid change in the encoded protein sequence. Four of five in-silico tools predict a benign effect of the variant on protein function. The variant allele was found at a frequency of 0.0002 in 250952 control chromosomes, predominantly at a frequency of 0.0016 within the South Asian subpopulation in the gnomAD database. The observed variant frequency within South Asian control individuals in the gnomAD database is approximately 1.6 fold of the estimated maximal expected allele frequency for a pathogenic variant in ATM causing Breast Cancer phenotype (0.001), suggesting that the variant is a benign polymorphism found primarily in populations of South Asian origin. c.3352A>G has been reported in the literature in individuals affected with Breast Cancer. This report does not provide unequivocal conclusions about association of the variant with Breast Cancer. To our knowledge, no experimental evidence demonstrating an impact on protein function has been reported. Seven clinical diagnostic laboratories have submitted clinical-significance assessments for this variant to ClinVar after 2014 without evidence for independent evaluation. Multiple laboratories reported the variant with conflicting assessments (likely benign n=3, VUS n=4). Based on the evidence outlined above, the variant was classified as likely benign.

Blueprint Genetics
Classification: Likely benign. Last evaluated: 2023-02-15. Review status: criteria provided, single submitter. Criteria: ACMG Guidelines, 2015. Collection method: clinical testing. Allele origin: germline.

Department of Pathology and Laboratory Medicine, Sinai Health System
Classification: Uncertain significance for Familial colorectal cancer type X. Last evaluated: 2022-08-23. Review status: criteria provided, single submitter. Criteria: ACMG Guidelines, 2015. Collection method: clinical testing. Allele origin: germline. Affected: yes.

Ambry Genetics
Classification: Likely benign for Hereditary cancer-predisposing syndrome. Last evaluated: 2021-05-08. Review status: criteria provided, single submitter. Criteria: Ambry Variant Classification Scheme 2023. Collection method: clinical testing. Allele origin: germline.

Illumina Laboratory Services, Illumina
Classification: Uncertain significance for Ataxia-telangiectasia syndrome. Last evaluated: 2018-01-13. Review status: criteria provided, single submitter. Criteria: ICSL Variant Classification Criteria 13 December 2019. Collection method: clinical testing. Allele origin: germline.

Natera, Inc.
Classification: Uncertain significance for Ataxia-telangiectasia. Last evaluated: 2020-09-16. Review status: no assertion criteria provided. Collection method: clinical testing. Allele origin: germline. Not counted in ClinVar's aggregate classification.

Counsyl
Classification: Uncertain significance for Ataxia-telangiectasia syndrome. Last evaluated: 2018-03-12. Review status: no assertion criteria provided. Collection method: clinical testing. Allele origin: unknown. Not counted in ClinVar's aggregate classification.

Literature cited by the submitters: PubMed 25085752 (cited by Myriad Genetics, Inc.); PubMed 33552952 (cited by Women's Health and Genetics/Laboratory Corporation of America, LabCorp and Department of Pathology and Laboratory Medicine, Sinai Health System); PubMed 28779002 (cited by Department of Pathology and Laboratory Medicine, Sinai Health System and Ambry Genetics).